The following is an entry in ClinVar:

ClinVar aggregate classification (germline): Uncertain significance. Review status: criteria provided, single submitter (1 of 4 stars). 2 submissions from 2 submitters: Uncertain significance (1). 1 of the submissions does not count toward it. Last evaluated 2022-12-29.

Conditions:
Perlman syndrome (PRLMNS). Identifiers: Orphanet 2849, MedGen C0796113, MONDO:0009965, OMIM 267000.
DIS3L2-related disorder. Also called: DIS3L2-related condition.

Allele frequency attached by ClinVar (database versions not stated): gnomAD exomes below 0.00001 and 0.00001.
gnomAD v4.1: 10 of 1,026,392 alleles (0.00097%); highest among the groups gnomAD compares: Non-Finnish European, 0.0012%; no homozygotes.

Submissions (2):

Labcorp Genetics (formerly Invitae), Labcorp
Classification: Uncertain significance for Perlman syndrome. Last evaluated: 2022-12-29. Review status: criteria provided, single submitter. Criteria: Invitae Variant Classification Sherloc (09022015). Collection method: clinical testing. Allele origin: germline.
Comment: This sequence change replaces methionine, which is neutral and non-polar, with valine, which is neutral and non-polar, at codon 586 of the DIS3L2 protein (p.Met586Val). This variant is present in population databases (no rsID available, gnomAD 0.01%). This variant has not been reported in the literature in individuals affected with DIS3L2-related conditions. ClinVar contains an entry for this variant (Variation ID: 531925). Advanced modeling of protein sequence and biophysical properties (such as structural, functional, and spatial information, amino acid conservation, physicochemical variation, residue mobility, and thermodynamic stability) has been performed at Invitae for this missense variant, however the output from this modeling did not meet the statistical confidence thresholds required to predict the impact of this variant on DIS3L2 protein function. In summary, the available evidence is currently insufficient to determine the role of this variant in disease. Therefore, it has been classified as a Variant of Uncertain Significance.

PreventionGenetics, part of Exact Sciences
Classification: Uncertain significance for DIS3L2-related condition. Last evaluated: 2024-07-25. Review status: no assertion criteria provided. Collection method: clinical testing. Allele origin: germline. Not counted in ClinVar's aggregate classification.
Comment: The DIS3L2 c.1756A>G variant is predicted to result in the amino acid substitution p.Met586Val. To our knowledge, this variant has not been reported in the literature. This variant is reported in 0.012% of alleles in individuals of Ashkenazi Jewish descent in gnomAD. This variant is classified as uncertain significance in ClinVar. At this time, the clinical significance of this variant is uncertain due to the absence of conclusive functional and genetic evidence.

NM_152383.5(DIS3L2):c.1756A>G (p.Met586Val)

Gene: DIS3L2 (DIS3 like 3'-5' exoribonuclease 2; plus strand). Cytogenetic location: 2q37.1.
Variant type: single nucleotide variant.
Coding change: c.1756A>G on transcript NM_152383.5 (MANE Select); coding-DNA position 1756, A replaced by G.
Protein change: p.Met586Val; replaces methionine 586 with valine.
Molecular consequence: missense variant. On other transcripts: intron variant (1).
Genome position (GRCh38, 1-based): chr2:232,329,829, A>G. VCF-style: chr2-232329829-A-G. GRCh37 (hg19) VCF-style: chr2-233194539-A-G.
Other names: c.1582-13516A>G (NM_001257281.2); short protein forms M586V.
Identifiers: ClinVar variation 531925 (VCV000531925.11), dbSNP rs1224235194, ClinGen allele CA350975950.